The following is an entry in ClinVar:

NM_017654.4(SAMD9):c.2074T>C (p.Trp692Arg)

Gene: SAMD9 (sterile alpha motif domain containing 9; minus strand). Cytogenetic location: 7q21.2.
Variant type: single nucleotide variant.
Coding change: c.2074T>C on transcript NM_017654.4 (MANE Select); coding-DNA position 2074, T replaced by C.
Protein change: p.Trp692Arg; replaces tryptophan 692 with arginine.
Molecular consequence: missense variant.
Genome position (GRCh38, 1-based): chr7:93,104,024, A>G on the plus strand (T>C on the coding strand, the complement: SAMD9 is on the minus strand). VCF-style: chr7-93104024-A-G. GRCh37 (hg19) VCF-style: chr7-92733337-A-G.
Other names: c.2074T>C, p.Trp692Arg (NM_001193307.2); short protein forms W692R.
Identifiers: ClinVar variation 3370936 (VCV003370936.2).

ClinVar aggregate classification (germline): Uncertain significance. Review status: criteria provided, multiple submitters, no conflicts (2 of 4 stars). 2 submissions from 2 submitters: Uncertain significance (2). Last evaluated 2025-03-18.

Conditions:
Inborn genetic diseases. Identifiers: MedGen C0950123, MeSH D030342.

gnomAD v4.1: 5 of 1,613,878 alleles (0.00031%); highest among the groups gnomAD compares: African/African-American, 0.0067%; no homozygotes.

Submissions (2):

Ambry Genetics
Classification: Uncertain significance for Inborn genetic diseases. Last evaluated: 2025-03-18. Review status: criteria provided, single submitter. Criteria: Ambry Variant Classification Scheme 2023. Collection method: clinical testing. Allele origin: germline.
Comment: The p.W692R variant (also known as c.2074T>C), located in coding exon 1 of the SAMD9 gene, results from a T to C substitution at nucleotide position 2074. The tryptophan at codon 692 is replaced by arginine, an amino acid with dissimilar properties. This amino acid position is conserved. In addition, the in silico prediction for this alteration is inconclusive. Based on the available evidence, the clinical significance of this variant remains unclear.

GeneDx
Classification: Uncertain significance. Last evaluated: 2024-03-18. Review status: criteria provided, single submitter. Criteria: GeneDx Variant Classification Process June 2021. Collection method: clinical testing. Allele origin: germline. Affected: yes.
Comment: Not observed at significant frequency in large population cohorts (gnomAD); In silico analysis supports that this missense variant has a deleterious effect on protein structure/function; Has not been previously published as pathogenic or benign to our knowledge